The following is an entry in ClinVar:

NM_003334.4(UBA1):c.497A>G (p.Asn166Ser)

Gene: UBA1 (ubiquitin like modifier activating enzyme 1; plus strand). Cytogenetic location: Xp11.3.
Variant type: single nucleotide variant.
Coding change: c.497A>G on transcript NM_003334.4 (MANE Select); coding-DNA position 497, A replaced by G.
Protein change: p.Asn166Ser; replaces asparagine 166 with serine.
Molecular consequence: missense variant.
Genome position (GRCh38, 1-based): chrX:47,200,910, A>G. VCF-style: chrX-47200910-A-G. GRCh37 (hg19) VCF-style: chrX-47060309-A-G.
Other names: c.539A>G, p.Asn180Ser (NM_001440807.1); c.515A>G, p.Asn172Ser (NM_001440809.1, NM_001440810.1); c.497A>G, p.Asn166Ser (NM_001440811.1, NM_001440812.1, NM_153280.3); short protein forms N180S, N166S, N172S.
Identifiers: ClinVar variation 4725311 (VCV004725311.1).
Genomic context (GRCh38, chrX:47,200,910, plus strand): 5'-CCCCTTCACCCCAATGCTGGGCCTGAGCCTCCATCTCTCCACAGGTGGTGGTGCTCACCA[A>G]CACCCCCCTGGAGGACCAGCTGCGAGTGGGTGAGTTCTGTCACAACCGTGGCATCAAGCT-3'
Protein context (NP_003325.2, residues 156-176): LSGFQVVVLT[Asn166Ser]TPLEDQLRVG

ClinVar aggregate classification (germline): Uncertain significance (1 of 4 stars; one submission).

Conditions:
Infantile-onset X-linked spinal muscular atrophy. Also called: Spinal Muscular Atrophy, X-Linked Infantile; AMC, DISTAL, X-LINKED; ARTHROGRYPOSIS, X-LINKED, TYPE I; SPINAL MUSCULAR ATROPHY, X-LINKED LETHAL INFANTILE; Spinal muscular atrophy, X-linked 2. Identifiers: Orphanet 1145, MedGen C1844934, MONDO:0010532, OMIM 301830.

Submission:

Labcorp Genetics (formerly Invitae), Labcorp
Classification: Uncertain significance for Infantile-onset X-linked spinal muscular atrophy. Last evaluated: 2026-01-13. Review status: criteria provided, single submitter. Criteria: Invitae Variant Classification Sherloc (09022015). Collection method: clinical testing. Allele origin: germline.
Comment: This sequence change replaces asparagine, which is neutral and polar, with serine, which is neutral and polar, at codon 166 of the UBA1 protein (p.Asn166Ser). This variant is not present in population databases (gnomAD no frequency). This variant has not been reported in the literature in individuals affected with UBA1-related conditions. An algorithm developed to predict the effect of missense changes on protein structure and function (PolyPhen-2) suggests that this variant is likely to be tolerated. In summary, the available evidence is currently insufficient to determine the role of this variant in disease. Therefore, it has been classified as a Variant of Uncertain Significance.